The following is an entry in ClinVar:

NM_000062.3(SERPING1):c.86C>G (p.Ser29Cys)

Gene: SERPING1 (serpin family G member 1; plus strand). Cytogenetic location: 11q12.1.
Variant type: single nucleotide variant.
Coding change: c.86C>G on transcript NM_000062.3 (MANE Select); coding-DNA position 86, C replaced by G.
Protein change: p.Ser29Cys; replaces serine 29 with cysteine.
Molecular consequence: missense variant.
Genome position (GRCh38, 1-based): chr11:57,599,913, C>G. VCF-style: chr11-57599913-C-G. GRCh37 (hg19) VCF-style: chr11-57367386-C-G.
Other names: c.86C>G, p.Ser29Cys (NM_001032295.2); short protein forms S29C.
Identifiers: ClinVar variation 2832868 (VCV002832868.3), dbSNP rs751621261, ClinGen allele CA6007969.

ClinVar aggregate classification (germline): Uncertain significance (1 of 4 stars; one submission).

Allele frequency attached by ClinVar (database versions not stated): gnomAD exomes 0.00001; ExAC 0.00002.
gnomAD v4.1: 3 of 1,614,170 alleles (0.00019%); highest among the groups gnomAD compares: Non-Finnish European, 0.00025%; no homozygotes.

Submission:

Labcorp Genetics (formerly Invitae), Labcorp
Classification: Uncertain significance. Last evaluated: 2023-12-25. Review status: criteria provided, single submitter. Criteria: Invitae Variant Classification Sherloc (09022015). Collection method: clinical testing. Allele origin: germline.
Comment: This sequence change replaces serine, which is neutral and polar, with cysteine, which is neutral and slightly polar, at codon 29 of the SERPING1 protein (p.Ser29Cys). This variant is present in population databases (rs751621261, gnomAD 0.003%). This variant has not been reported in the literature in individuals affected with SERPING1-related conditions. Advanced modeling of protein sequence and biophysical properties (such as structural, functional, and spatial information, amino acid conservation, physicochemical variation, residue mobility, and thermodynamic stability) performed at Invitae indicates that this missense variant is not expected to disrupt SERPING1 protein function with a negative predictive value of 95%. In summary, the available evidence is currently insufficient to determine the role of this variant in disease. Therefore, it has been classified as a Variant of Uncertain Significance.